The following is an entry in ClinVar:

ClinVar aggregate classification (germline): Benign (1 of 4 stars; one submission).

Submission:

Mayo Clinic Laboratories, Mayo Clinic
Classification: Benign. Last evaluated: 2025-09-15. Review status: criteria provided, single submitter. Criteria: ACMG Guidelines, 2015. Collection method: clinical testing. Allele origin: germline. Observed: 2 variant alleles.
Comment: BA1

NM_001146.5(ANGPT1):c.809-5del

Gene: ANGPT1 (angiopoietin 1; minus strand). Cytogenetic location: 8q23.1.
Variant type: Deletion.
Coding change: c.809-5del on transcript NM_001146.5 (MANE Select); 5 bases into the intron before coding-DNA position 809, one base deleted (T; older notation c.809-5delT).
Molecular consequence: intron variant.
Genome position (GRCh38, 1-based): chr8:107,303,372, A deleted on the plus strand (T on the coding strand, the reverse complement: ANGPT1 is on the minus strand); the first of 15 consecutive A bases (chr8:107,303,372-107,303,386); deleting any one gives the same sequence. VCF-style (leftmost placement, unchanged base first): chr8-107303371-CA-C. GRCh37 (hg19) VCF-style: chr8-108315599-CA-C.
Other names: p.?; c.806-5del (NM_001199859.3); c.209-5del (NM_001314051.2).
Identifiers: ClinVar variation 4683354 (VCV004683354.1).